The following is an entry in ClinVar:

NM_006904.7(PRKDC):c.3677G>A (p.Gly1226Glu)

Gene: PRKDC (protein kinase, DNA-activated, catalytic subunit; minus strand). Cytogenetic location: 8q11.21.
Variant type: single nucleotide variant.
Coding change: c.3677G>A on transcript NM_006904.7 (MANE Select); coding-DNA position 3677, G replaced by A.
Protein change: p.Gly1226Glu; replaces glycine 1226 with glutamic acid.
Molecular consequence: missense variant.
Genome position (GRCh38, 1-based): chr8:47,893,309, C>T on the plus strand (G>A on the coding strand, the complement: PRKDC is on the minus strand). VCF-style: chr8-47893309-C-T. GRCh37 (hg19) VCF-style: chr8-48805869-C-T.
Other names: c.3677G>A, p.Gly1226Glu (NM_001081640.2); short protein forms G1226E.
Identifiers: ClinVar variation 1364918 (VCV001364918.6), dbSNP rs1168875123, ClinGen allele CA371150811.
Genomic context (GRCh38, chr8:47,893,309, plus strand): 5'-CCCCGAAGGTACAAGAGGGTGGGCTGGGCCAGGATGCCCGAGGGCTGGCCACAGCCACCC[C>T]CCTCAAAGGTGTTGATGAGAAAAGAGACACCTTCTTCCTTGAGAACATCTTTCAGCCACA-3'
Protein context (NP_008835.5, residues 1216-1236): GVSFLINTFE[Gly1226Glu]GGCGQPSGIL

ClinVar aggregate classification (germline): Uncertain significance (1 of 4 stars; one submission).

Conditions:
Severe combined immunodeficiency due to DNA-PKcs deficiency. Also called: Immunodeficiency 26 with or without neurologic abnormalities; IMMUNODEFICIENCY 26 WITH NEUROLOGIC ABNORMALITIES. Identifiers: Orphanet 317425, MedGen C4014833, MONDO:0014423, OMIM 615966.

gnomAD v4.1: 1 of 1,603,714 alleles (0.000062%); highest among the groups gnomAD compares: Non-Finnish European, 0.000085%; no homozygotes.

Submission:

Labcorp Genetics (formerly Invitae), Labcorp
Classification: Uncertain significance for Severe combined immunodeficiency due to DNA-PKcs deficiency. Last evaluated: 2021-06-30. Review status: criteria provided, single submitter. Criteria: Invitae Variant Classification Sherloc (09022015). Collection method: clinical testing. Allele origin: germline.
Comment: This sequence change replaces glycine with glutamic acid at codon 1226 of the PRKDC protein (p.Gly1226Glu). The glycine residue is highly conserved and there is a moderate physicochemical difference between glycine and glutamic acid. This variant is not present in population databases (ExAC no frequency). This variant has not been reported in the literature in individuals affected with PRKDC-related conditions. Experimental studies and prediction algorithms are not available or were not evaluated, and the functional significance of this variant is currently unknown. In summary, the available evidence is currently insufficient to determine the role of this variant in disease. Therefore, it has been classified as a Variant of Uncertain Significance.